The following is an entry in ClinVar:

ClinVar aggregate classification (germline): Uncertain significance. Review status: criteria provided, multiple submitters, no conflicts (2 of 4 stars). 2 submissions from 2 submitters: Uncertain significance (2). Last evaluated 2024-12-25.

Conditions:
Neuropathy, hereditary sensory and autonomic, type 2A (HSAN2A). Also called: MORVAN DISEASE; NEUROPATHY, CONGENITAL SENSORY; NEUROPATHY, HEREDITARY SENSORY RADICULAR, AUTOSOMAL RECESSIVE; NEUROPATHY, HEREDITARY SENSORY, TYPE IIA; NEUROPATHY, PROGRESSIVE SENSORY, OF CHILDREN; WNK1-Related HSAN2 (HSAN2A). Identifiers: Orphanet 970, MedGen C2752089, MONDO:0024309, OMIM 201300.
Pseudohypoaldosteronism type 2C (PHA2C). Also called: Pseudohypoaldosteronism Type IIC. Identifiers: Orphanet 757, Orphanet 88940, MedGen C1840391, MONDO:0013778, OMIM 614492.
Inborn genetic diseases. Identifiers: MedGen C0950123, MeSH D030342.

Allele frequency attached by ClinVar (database versions not stated): gnomAD 0.00001 and 0.00002; gnomAD exomes 0.00001 and 0.00005; TOPMed 0.00002.
gnomAD v4.1: 73 of 1,535,864 alleles (0.0048%); highest among the groups gnomAD compares: Non-Finnish European, 0.0061%; no homozygotes.

Submissions (2):

Labcorp Genetics (formerly Invitae), Labcorp
Classification: Uncertain significance for Neuropathy, hereditary sensory and autonomic, type 2A; Pseudohypoaldosteronism type 2C. Last evaluated: 2024-12-25. Review status: criteria provided, single submitter. Criteria: Invitae Variant Classification Sherloc (09022015). Collection method: clinical testing. Allele origin: germline.
Comment: This sequence change replaces methionine, which is neutral and non-polar, with valine, which is neutral and non-polar, at codon 778 of the WNK1 protein (p.Met778Val). This variant is present in population databases (no rsID available, gnomAD 0.007%). This variant has not been reported in the literature in individuals affected with WNK1-related conditions. ClinVar contains an entry for this variant (Variation ID: 1037333). Invitae Evidence Modeling of protein sequence and biophysical properties (such as structural, functional, and spatial information, amino acid conservation, physicochemical variation, residue mobility, and thermodynamic stability) indicates that this missense variant is not expected to disrupt WNK1 protein function with a negative predictive value of 95%. In summary, the available evidence is currently insufficient to determine the role of this variant in disease. Therefore, it has been classified as a Variant of Uncertain Significance.

Ambry Genetics
Classification: Uncertain significance for Inborn genetic diseases. Last evaluated: 2023-03-06. Review status: criteria provided, single submitter. Criteria: Ambry Variant Classification Scheme 2023. Collection method: clinical testing. Allele origin: germline.

NM_213655.5(WNK1):c.2332A>G (p.Met778Val)

Gene: WNK1 (WNK lysine deficient protein kinase 1; plus strand). Cytogenetic location: 12p13.33.
Variant type: single nucleotide variant.
Coding change: c.2332A>G on transcript NM_213655.5 (MANE Plus Clinical); coding-DNA position 2332, A replaced by G.
Protein change: p.Met778Val; replaces methionine 778 with valine.
Molecular consequence: missense variant. On other transcripts: intron variant (3).
Genome position (GRCh38, 1-based): chr12:865,302, A>G. VCF-style: chr12-865302-A-G. GRCh37 (hg19) VCF-style: chr12-974468-A-G.
Other names: c.2140-2564A>G (NM_001184985.2); c.2139+3032A>G (NM_018979.4, NM_014823.3); short protein forms M778V.
Identifiers: ClinVar variation 1037333 (VCV001037333.10), dbSNP rs879614884, ClinGen allele CA231495794.